The following is an entry in ClinVar:

ClinVar aggregate classification (germline): Likely benign (1 of 4 stars; one submission).

Submission:

Mayo Clinic Laboratories, Mayo Clinic
Classification: Likely benign. Last evaluated: 2025-03-18. Review status: criteria provided, single submitter. Criteria: ACMG Guidelines, 2015. Collection method: clinical testing. Allele origin: germline. Observed: 1 variant allele.
Comment: BP4, BP7

NM_015271.5(TRIM2):c.543C>T (p.Leu181=)

Gene: TRIM2 (tripartite motif containing 2; plus strand). Cytogenetic location: 4q31.3.
Variant type: single nucleotide variant.
Coding change: c.543C>T on transcript NM_015271.5 (MANE Select); coding-DNA position 543, C replaced by T.
Protein change: p.Leu181=; no amino-acid change (leucine 181 retained).
Molecular consequence: synonymous variant. On other transcripts: intron variant (2).
Genome position (GRCh38, 1-based): chr4:153,293,071, C>T. VCF-style: chr4-153293071-C-T. GRCh37 (hg19) VCF-style: chr4-154214223-C-T.
Other names: p.Leu154=; c.462C>T, p.Leu154= (NM_001130067.2, NM_001351056.2, NM_001375512.1 and 10 more transcripts); c.516C>T, p.Leu172= (NM_001351054.2); c.513C>T, p.Leu171= (NM_001351055.2); c.87C>T, p.Leu29= (NM_001351057.2); c.636C>T, p.Leu212= (NM_001375488.1); c.633C>T, p.Leu211= (NM_001375489.1); c.543C>T, p.Leu181= (NM_001375490.1, NM_001438618.1); and 4 more.
Identifiers: ClinVar variation 4684812 (VCV004684812.1).